The following is an entry in ClinVar:

ClinVar aggregate classification (germline): Uncertain significance (1 of 4 stars; one submission).

Conditions:
Inborn genetic diseases. Identifiers: MedGen C0950123, MeSH D030342.

Submission:

Ambry Genetics
Classification: Uncertain significance for Inborn genetic diseases. Last evaluated: 2025-02-22. Review status: criteria provided, single submitter. Criteria: Ambry Variant Classification Scheme 2023. Collection method: clinical testing. Allele origin: germline.
Comment: The p.D530N variant (also known as c.1588G>A), located in coding exon 17 of the RTEL1 gene, results from a G to A substitution at nucleotide position 1588. The aspartic acid at codon 530 is replaced by asparagine, an amino acid with highly similar properties. This amino acid position is conserved. In addition, this alteration is predicted to be tolerated by in silico analysis. Based on the available evidence, the clinical significance of this variant remains unclear.

NM_001283009.2(RTEL1):c.1588G>A (p.Asp530Asn)

Genes: RTEL1 (regulator of telomere elongation helicase 1; plus strand), RTEL1-TNFRSF6B (RTEL1-TNFRSF6B readthrough (NMD candidate); plus strand). Cytogenetic location: 20q13.33.
Variant type: single nucleotide variant.
Coding change: c.1588G>A on transcript NM_001283009.2 (MANE Select); coding-DNA position 1588, G replaced by A.
Protein change: p.Asp530Asn; replaces aspartic acid 530 with asparagine.
Molecular consequence: missense variant. On other transcripts: non-coding transcript variant (1).
Genome position (GRCh38, 1-based): chr20:63,688,043, G>A. VCF-style: chr20-63688043-G-A. GRCh37 (hg19) VCF-style: chr20-62319396-G-A.
Other names: c.919G>A, p.Asp307Asn (NM_001283010.1); c.1588G>A, p.Asp530Asn (NM_016434.4); c.1660G>A, p.Asp554Asn (NM_032957.5); short protein forms D307N, D530N, D554N.
Identifiers: ClinVar variation 3791177 (VCV003791177.1).
Genomic context (GRCh38, chr20:63,688,043, plus strand): 5'-CAGATCTGGGTGGGGGTCGTCCCCAGAGGCCCCGATGGAGCCCAGTTGAGCTCCGCGTTT[G>A]ACAGACGGTGAGGGCCTGTCCCTGGGCCCTGCTGGGGTGGGAGGTGGGGGAGCACTGAGG-3'
Protein context (NP_001269938.1, residues 520-540): PDGAQLSSAF[Asp530Asn]RRFSEECLSS